The following is an entry in ClinVar:

NM_021930.6(RINT1):c.1055A>G (p.Asp352Gly)

Gene: RINT1 (RAD50 interactor 1; plus strand). Cytogenetic location: 7q22.3.
Variant type: single nucleotide variant.
Coding change: c.1055A>G on transcript NM_021930.6 (MANE Select); coding-DNA position 1055, A replaced by G.
Protein change: p.Asp352Gly; replaces aspartic acid 352 with glycine.
Molecular consequence: missense variant. On other transcripts: non-coding transcript variant (1).
Genome position (GRCh38, 1-based): chr7:105,550,113, A>G. VCF-style: chr7-105550113-A-G. GRCh37 (hg19) VCF-style: chr7-105190560-A-G.
Other names: c.821A>G, p.Asp274Gly (NM_001346599.2); c.32A>G, p.Asp11Gly (NM_001346600.2, NM_001346603.2); c.131A>G, p.Asp44Gly (NM_001346601.2); short protein forms D352G, D44G, D11G, D274G.
Identifiers: ClinVar variation 863738 (VCV000863738.14), dbSNP rs145829580, ClinGen allele CA4426592.
Genomic context (GRCh38, chr7:105,550,113, plus strand): 5'-AGCCAGAATGGTACTTGGCTCAAGTACTTATGTGGATTGGAAACCATACTGAATTTCTGG[A>G]TGAGAAGATTCAGCCAATATTAGACAAAGTAGGCTCTTTGGTAAACGCAAGGGTAAGAGA-3'
Protein context (NP_068749.3, residues 342-362): MWIGNHTEFL[Asp352Gly]EKIQPILDKV

ClinVar aggregate classification (germline): Uncertain significance. Review status: criteria provided, multiple submitters, no conflicts (2 of 4 stars). 2 submissions from 2 submitters: Uncertain significance (2). Last evaluated 2025-05-31.

Allele frequency attached by ClinVar (database versions not stated): gnomAD 0.00001; ExAC 0.00002; gnomAD exomes 0.00002; TOPMed 0.00002; ESP Exome Variant Server 0.00008.
gnomAD v4.1: 26 of 1,613,854 alleles (0.0016%); highest among the groups gnomAD compares: Admixed American, 0.0017%; no homozygotes.

Submissions (2):

Ambry Genetics
Classification: Uncertain significance. Last evaluated: 2025-05-31. Review status: criteria provided, single submitter. Criteria: Ambry Variant Classification Scheme 2023. Collection method: clinical testing. Allele origin: germline.
Comment: The p.D352G variant (also known as c.1055A>G), located in coding exon 8 of the RINT1 gene, results from an A to G substitution at nucleotide position 1055. The aspartic acid at codon 352 is replaced by glycine, an amino acid with similar properties. This amino acid position is well conserved in available vertebrate species. In addition, this alteration is predicted to be tolerated by in silico analysis. The evidence for this gene-disease relationship is limited; therefore, the clinical significance of this alteration is unclear.

Labcorp Genetics (formerly Invitae), Labcorp
Classification: Uncertain significance. Last evaluated: 2021-04-01. Review status: criteria provided, single submitter. Criteria: Invitae Variant Classification Sherloc (09022015). Collection method: clinical testing. Allele origin: germline.
Comment: This sequence change replaces aspartic acid with glycine at codon 352 of the RINT1 protein (p.Asp352Gly). The aspartic acid residue is moderately conserved and there is a moderate physicochemical difference between aspartic acid and glycine. This variant is present in population databases (rs145829580, ExAC 0.009%). This variant has not been reported in the literature in individuals with RINT1-related conditions. Algorithms developed to predict the effect of missense changes on protein structure and function are either unavailable or do not agree on the potential impact of this missense change (SIFT: "Tolerated"; PolyPhen-2: "Possibly Damaging"; Align-GVGD: "Class C0"). Algorithms developed to predict the effect of sequence changes on RNA splicing suggest that this variant may create or strengthen a splice site, but this prediction has not been confirmed by published transcriptional studies. In summary, the available evidence is currently insufficient to determine the role of this variant in disease. Therefore, it has been classified as a Variant of Uncertain Significance.